The following is an entry in ClinVar:

NM_014049.5(ACAD9):c.1279-1G>A

Gene: ACAD9 (acyl-CoA dehydrogenase family member 9; plus strand). Cytogenetic location: 3q21.3.
Variant type: single nucleotide variant.
Coding change: c.1279-1G>A on transcript NM_014049.5 (MANE Select); the canonical splice acceptor site of the intron before coding-DNA position 1279, G replaced by A.
Molecular consequence: splice acceptor variant.
Genome position (GRCh38, 1-based): chr3:128,908,184, G>A. VCF-style: chr3-128908184-G-A. GRCh37 (hg19) VCF-style: chr3-128627027-G-A.
Other names: c.910-1G>A (NM_001410805.1).
Identifiers: ClinVar variation 2747636 (VCV002747636.3), dbSNP rs2529276766, ClinGen allele CA354437871.
Genomic context (GRCh38, chr3:128,908,184, plus strand): 5'-TGGCACTACCATGGCTGCCTGGCCGGGGGGCAGCCTTTGACCTCTACACTACTGACCACA[G>A]GGAACCAATGAGATTCTCCGGATGTACATCGCCCTGACGGGTCTGCAGCATGCCGGCCGC-3'

ClinVar aggregate classification (germline): Likely pathogenic (1 of 4 stars; one submission).

Submission:

Labcorp Genetics (formerly Invitae), Labcorp
Classification: Likely pathogenic. Last evaluated: 2023-08-04. Review status: criteria provided, single submitter. Criteria: Invitae Variant Classification Sherloc (09022015). Collection method: clinical testing. Allele origin: germline.
Comment: In summary, the currently available evidence indicates that the variant is pathogenic, but additional data are needed to prove that conclusively. Therefore, this variant has been classified as Likely Pathogenic. Algorithms developed to predict the effect of sequence changes on RNA splicing suggest that this variant may disrupt the consensus splice site. This variant has not been reported in the literature in individuals affected with ACAD9-related conditions. This variant is not present in population databases (gnomAD no frequency). This sequence change affects an acceptor splice site in intron 12 of the ACAD9 gene. It is expected to disrupt RNA splicing. Variants that disrupt the donor or acceptor splice site typically lead to a loss of protein function (PMID: 16199547), and loss-of-function variants in ACAD9 are known to be pathogenic (PMID: 25721401).

Literature cited by the submitters: PubMed 16199547; PubMed 25721401.